The following is an entry in ClinVar:

ClinVar aggregate classification (germline): Conflicting classifications of pathogenicity. Review status: criteria provided, conflicting classifications (1 of 4 stars). 3 submissions from 3 submitters: Uncertain significance (1); Likely benign (2). Last evaluated 2025-10-23.

Conditions:
VCAN-related disorder. Also called: VCAN-related condition.

Allele frequency attached by ClinVar (database versions not stated): gnomAD exomes 0.00003 and 0.00008; ExAC 0.00005; TOPMed 0.00005; gnomAD 0.00006 and 0.00008; ESP Exome Variant Server 0.00008; 1000 Genomes Project 0.00080; 1000 Genomes Project 30x 0.00109.
gnomAD v4.1: 62 of 1,614,048 alleles (0.0038%); highest among the groups gnomAD compares: East Asian, 0.051%; no homozygotes.

Submissions (3):

PreventionGenetics, part of Exact Sciences
Classification: Likely benign for VCAN-related condition. Last evaluated: 2025-10-23. Review status: criteria provided, single submitter. Criteria: ACMG Guidelines, 2015. Collection method: clinical testing. Allele origin: germline.
Comment: This variant is classified as likely benign based on ACMG/AMP sequence variant interpretation guidelines (Richards et al. 2015 PMID: 25741868, with internal and published modifications).

Labcorp Genetics (formerly Invitae), Labcorp
Classification: Uncertain significance. Last evaluated: 2025-10-16. Review status: criteria provided, single submitter. Criteria: Invitae Variant Classification Sherloc (09022015). Collection method: clinical testing. Allele origin: germline.
Comment: This sequence change replaces methionine, which is neutral and non-polar, with valine, which is neutral and non-polar, at codon 611 of the VCAN protein (p.Met611Val). This variant is present in population databases (rs369865559, gnomAD 0.06%), and has an allele count higher than expected for a pathogenic variant. This variant has not been reported in the literature in individuals affected with VCAN-related conditions. ClinVar contains an entry for this variant (Variation ID: 1056233). An algorithm developed to predict the effect of missense changes on protein structure and function outputs the following: PolyPhen-2: "Benign". The valine amino acid residue is found in multiple mammalian species, which suggests that this missense change does not adversely affect protein function. In summary, the available evidence is currently insufficient to determine the role of this variant in disease. Therefore, it has been classified as a Variant of Uncertain Significance.

Blueprint Genetics
Classification: Likely benign. Last evaluated: 2024-02-28. Review status: criteria provided, single submitter. Criteria: ACMG Guidelines, 2015. Collection method: clinical testing. Allele origin: germline.

NM_004385.5(VCAN):c.1831A>G (p.Met611Val)

Gene: VCAN (versican; plus strand). Cytogenetic location: 5q14.3.
Variant type: single nucleotide variant.
Coding change: c.1831A>G on transcript NM_004385.5 (MANE Select); coding-DNA position 1831, A replaced by G.
Protein change: p.Met611Val; replaces methionine 611 with valine.
Molecular consequence: missense variant. On other transcripts: intron variant (2).
Genome position (GRCh38, 1-based): chr5:83,520,137, A>G. VCF-style: chr5-83520137-A-G. GRCh37 (hg19) VCF-style: chr5-82815956-A-G.
Other names: c.1831A>G, p.Met611Val (NM_001164098.2); c.1042+7741A>G (NM_001164097.2, NM_001126336.3); c.1831A>G (NM_004385.4); short protein forms M611V.
Identifiers: ClinVar variation 1056233 (VCV001056233.12), dbSNP rs369865559, ClinGen allele CA3332735.